The following is an entry in ClinVar:

ClinVar aggregate classification (germline): Uncertain significance. Review status: criteria provided, multiple submitters, no conflicts (2 of 4 stars). 3 submissions from 3 submitters: Uncertain significance (3). Last evaluated 2024-08-23.

Conditions:
Charcot-Marie-Tooth disease type 2. Also called: Charcot-Marie-Tooth type 2. Identifiers: Orphanet 64746, MedGen C0270914, MONDO:0018993.

Allele frequency attached by ClinVar (database versions not stated): gnomAD exomes 0.00001; TOPMed 0.00001.
gnomAD v4.1: 8 of 1,613,488 alleles (0.0005%); highest among the groups gnomAD compares: Non-Finnish European, 0.00068%; no homozygotes.

Submissions (3):

Blueprint Genetics
Classification: Uncertain significance. Last evaluated: 2024-08-23. Review status: criteria provided, single submitter. Criteria: ACMG Guidelines, 2015. Collection method: clinical testing. Allele origin: germline.

Labcorp Genetics (formerly Invitae), Labcorp
Classification: Uncertain significance for Charcot-Marie-Tooth disease type 2. Last evaluated: 2024-04-05. Review status: criteria provided, single submitter. Criteria: Invitae Variant Classification Sherloc (09022015). Collection method: clinical testing. Allele origin: germline.
Comment: This sequence change replaces serine, which is neutral and polar, with tyrosine, which is neutral and polar, at codon 989 of the KIF1B protein (p.Ser989Tyr). This variant is not present in population databases (gnomAD no frequency). This variant has not been reported in the literature in individuals affected with KIF1B-related conditions. ClinVar contains an entry for this variant (Variation ID: 941258). An algorithm developed to predict the effect of missense changes on protein structure and function (PolyPhen-2) suggests that this variant is likely to be disruptive. In summary, the available evidence is currently insufficient to determine the role of this variant in disease. Therefore, it has been classified as a Variant of Uncertain Significance.

Ambry Genetics
Classification: Uncertain significance. Last evaluated: 2023-04-18. Review status: criteria provided, single submitter. Criteria: Ambry Variant Classification Scheme 2023. Collection method: clinical testing. Allele origin: germline.
Comment: The p.S989Y variant (also known as c.2966C>A), located in coding exon 26 of the KIF1B gene, results from a C to A substitution at nucleotide position 2966. The serine at codon 989 is replaced by tyrosine, an amino acid with dissimilar properties. This amino acid position is highly conserved in available vertebrate species. In addition, this alteration is predicted to be deleterious by in silico analysis. Since supporting evidence is limited at this time, the clinical significance of this alteration remains unclear.

NM_001365951.3(KIF1B):c.3104C>A (p.Ser1035Tyr)

Gene: KIF1B (kinesin family member 1B; plus strand). Cytogenetic location: 1p36.22.
Variant type: single nucleotide variant.
Coding change: c.3104C>A on transcript NM_001365951.3 (MANE Select); coding-DNA position 3104, C replaced by A.
Protein change: p.Ser1035Tyr; replaces serine 1035 with tyrosine.
Molecular consequence: missense variant.
Genome position (GRCh38, 1-based): chr1:10,336,717, C>A. VCF-style: chr1-10336717-C-A. GRCh37 (hg19) VCF-style: chr1-10396775-C-A.
Other names: c.3104C>A, p.Ser1035Tyr (NM_001365952.1); c.2966C>A, p.Ser989Tyr (NM_015074.3); short protein forms S1035Y, S989Y.
Identifiers: ClinVar variation 941258 (VCV000941258.13), dbSNP rs1652195142, ClinGen allele CA338339420.